The following is an entry in ClinVar:

ClinVar aggregate classification (germline): Uncertain significance (1 of 4 stars; one submission).

Conditions:
Capillary malformation-arteriovenous malformation syndrome. Also called: Capillary malformation-arteriovenous malformation. Identifiers: Orphanet 137667, MedGen C1842180, MONDO:0012016.

Submission:

Labcorp Genetics (formerly Invitae), Labcorp
Classification: Uncertain significance for Capillary malformation-arteriovenous malformation syndrome. Last evaluated: 2024-06-17. Review status: criteria provided, single submitter. Criteria: Invitae Variant Classification Sherloc (09022015). Collection method: clinical testing. Allele origin: germline.
Comment: This sequence change replaces glycine, which is neutral and non-polar, with valine, which is neutral and non-polar, at codon 83 of the RASA1 protein (p.Gly83Val). This variant is not present in population databases (gnomAD no frequency). This variant has not been reported in the literature in individuals affected with RASA1-related conditions. ClinVar contains an entry for this variant (Variation ID: 1059252). An algorithm developed to predict the effect of missense changes on protein structure and function (PolyPhen-2) suggests that this variant is likely to be disruptive. In summary, the available evidence is currently insufficient to determine the role of this variant in disease. Therefore, it has been classified as a Variant of Uncertain Significance.

NM_002890.3(RASA1):c.248G>T (p.Gly83Val)

Gene: RASA1 (RAS p21 protein activator 1; plus strand). Cytogenetic location: 5q14.3.
Variant type: single nucleotide variant.
Coding change: c.248G>T on transcript NM_002890.3 (MANE Select); coding-DNA position 248, G replaced by T.
Protein change: p.Gly83Val; replaces glycine 83 with valine.
Molecular consequence: missense variant.
Genome position (GRCh38, 1-based): chr5:87,268,699, G>T. VCF-style: chr5-87268699-G-T. GRCh37 (hg19) VCF-style: chr5-86564516-G-T.
Other names: short protein forms G83V.
Identifiers: ClinVar variation 1059252 (VCV001059252.9), dbSNP rs755788420, ClinGen allele CA360417051.
Genomic context (GRCh38, chr5:87,268,699, plus strand): 5'-GCGGAGCCGCTTTGGGGTCAGAGTTCCTAGGAGCCGGGTCTGTGGCAGGGGCACTGGGGG[G>T]AGCTGGACTGACAGGGGGAGGTACTGCTGCTGGCGTAGCTGGTGCTGCTGCTGGCGTGGC-3'
Protein context (NP_002881.1, residues 73-93): GAGSVAGALG[Gly83Val]AGLTGGGTAA